The following is an entry in ClinVar:

NM_005609.4(PYGM):c.424+2T>C

Gene: PYGM (glycogen phosphorylase, muscle associated; minus strand). Cytogenetic location: 11q13.1.
Variant type: single nucleotide variant.
Coding change: c.424+2T>C on transcript NM_005609.4 (MANE Select); the canonical splice donor site of the intron after coding-DNA position 424, T replaced by C.
Molecular consequence: splice donor variant. On other transcripts: intron variant (1).
Genome position (GRCh38, 1-based): chr11:64,758,435, A>G on the plus strand (T>C on the coding strand, the complement: PYGM is on the minus strand). VCF-style: chr11-64758435-A-G. GRCh37 (hg19) VCF-style: chr11-64525907-A-G.
Other names: c.244-169T>C (NM_001164716.1).
Identifiers: ClinVar variation 5004214 (VCV005004214.1).

ClinVar aggregate classification (germline): Likely pathogenic (1 of 4 stars; one submission).

Conditions:
Glycogen storage disease, type V (GSD5). Also called: PYGM DEFICIENCY; McArdle type glycogen storage disease; MCARDLE DISEASE; MUSCLE GLYCOGEN PHOSPHORYLASE DEFICIENCY; MYOPHOSPHORYLASE DEFICIENCY. Identifiers: Orphanet 368, MedGen C0017924, MONDO:0009293, OMIM 232600.

Submission:

Myriad Genetics, Inc.
Classification: Likely pathogenic for Glycogen storage disease, type V. Last evaluated: 2025-10-09. Review status: criteria provided, single submitter. Criteria: Myriad Autosomal Dominant, Autosomal Recessive and X-Linked Classification Criteria (2023). Collection method: clinical testing. Allele origin: unknown.
Comment: NM_005609.2(PYGM):c.424+2T>C is a variant in a canonical splice site classified as likely pathogenic in the context of glycogen storage disease, PYGM-related. c.424+2T>C has not been observed in cases with relevant disease. Relevant functional assessments of this variant are not available in the literature. c.424+2T>C has not been observed in referenced population frequency databases. In summary, NM_005609.2(PYGM):c.424+2T>C is a variant in a canonical splice site in a gene where loss of function is a known mechanism of disease and is predicted to disrupt protein function. Please note: this variant was assessed in the context of healthy population screening.